The following is an entry in ClinVar:

NM_000843.4(GRM6):c.770C>T (p.Pro257Leu)

Gene: GRM6 (glutamate metabotropic receptor 6; minus strand). Cytogenetic location: 5q35.3.
Variant type: single nucleotide variant.
Coding change: c.770C>T on transcript NM_000843.4 (MANE Select); coding-DNA position 770, C replaced by T.
Protein change: p.Pro257Leu; replaces proline 257 with leucine.
Molecular consequence: missense variant.
Genome position (GRCh38, 1-based): chr5:178,991,511, G>A on the plus strand (C>T on the coding strand, the complement: GRM6 is on the minus strand). VCF-style: chr5-178991511-G-A. GRCh37 (hg19) VCF-style: chr5-178418512-G-A.
Other names: short protein forms P257L.
Identifiers: ClinVar variation 1500320 (VCV001500320.8), dbSNP rs2113342170, ClinGen allele CA362433125.

ClinVar aggregate classification (germline): Uncertain significance (1 of 4 stars; one submission).

Submission:

Labcorp Genetics (formerly Invitae), Labcorp
Classification: Uncertain significance. Last evaluated: 2022-01-06. Review status: criteria provided, single submitter. Criteria: Invitae Variant Classification Sherloc (09022015). Collection method: clinical testing. Allele origin: germline.
Comment: In summary, the available evidence is currently insufficient to determine the role of this variant in disease. Therefore, it has been classified as a Variant of Uncertain Significance. Advanced modeling of protein sequence and biophysical properties (such as structural, functional, and spatial information, amino acid conservation, physicochemical variation, residue mobility, and thermodynamic stability) performed at Invitae indicates that this missense variant is not expected to disrupt GRM6 protein function. This variant has not been reported in the literature in individuals affected with GRM6-related conditions. This variant is not present in population databases (gnomAD no frequency). This sequence change replaces proline, which is neutral and non-polar, with leucine, which is neutral and non-polar, at codon 257 of the GRM6 protein (p.Pro257Leu).